The following is an entry in ClinVar:

NM_000081.4(LYST):c.8251A>G (p.Ile2751Val)

Gene: LYST (lysosomal trafficking regulator; minus strand). Cytogenetic location: 1q42.3.
Variant type: single nucleotide variant.
Coding change: c.8251A>G on transcript NM_000081.4 (MANE Select); coding-DNA position 8251, A replaced by G.
Protein change: p.Ile2751Val; replaces isoleucine 2751 with valine.
Molecular consequence: missense variant.
Genome position (GRCh38, 1-based): chr1:235,741,529, T>C on the plus strand (A>G on the coding strand, the complement: LYST is on the minus strand). VCF-style: chr1-235741529-T-C. GRCh37 (hg19) VCF-style: chr1-235904829-T-C.
Other names: c.8251A>G, p.Ile2751Val (NM_001301365.1); short protein forms I2751V.
Identifiers: ClinVar variation 1349495 (VCV001349495.3), dbSNP rs765720380, ClinGen allele CA1465919.

ClinVar aggregate classification (germline): Uncertain significance (1 of 4 stars; one submission).

Conditions:
Chédiak-Higashi syndrome (CHS). Also called: Chediak-Higashi Syndrome. Identifiers: Orphanet 167, MedGen C0007965, MONDO:0008963, OMIM 214500.

Allele frequency attached by ClinVar (database versions not stated): TOPMed below 0.00001; gnomAD 0.00001; gnomAD exomes 0.00001; ExAC 0.00002.
gnomAD v4.1: 9 of 1,613,920 alleles (0.00056%); highest among the groups gnomAD compares: Non-Finnish European, 0.00059%; no homozygotes.

Submission:

Labcorp Genetics (formerly Invitae), Labcorp
Classification: Uncertain significance for Chédiak-Higashi syndrome. Last evaluated: 2021-11-12. Review status: criteria provided, single submitter. Criteria: Invitae Variant Classification Sherloc (09022015). Collection method: clinical testing. Allele origin: germline.
Comment: This sequence change replaces isoleucine, which is neutral and non-polar, with valine, which is neutral and non-polar, at codon 2751 of the LYST protein (p.Ile2751Val). This variant is present in population databases (rs765720380, gnomAD 0.004%). This variant has not been reported in the literature in individuals affected with LYST-related conditions. Algorithms developed to predict the effect of missense changes on protein structure and function output the following: SIFT: "Tolerated"; PolyPhen-2: "Benign"; Align-GVGD: "Class C0". The valine amino acid residue is found in multiple mammalian species, which suggests that this missense change does not adversely affect protein function. In summary, the available evidence is currently insufficient to determine the role of this variant in disease. Therefore, it has been classified as a Variant of Uncertain Significance.